The following is an entry in ClinVar:

ClinVar aggregate classification (germline): Uncertain significance (1 of 4 stars; one submission).

Conditions:
Ehlers-Danlos syndrome, classic type, 1 (EDSCL1). Also called: EHLERS-DANLOS SYNDROME, GRAVIS TYPE; EHLERS-DANLOS SYNDROME, SEVERE CLASSIC TYPE; Ehlers-Danlos syndrome, type 1; Ehlers-Danlos Syndrome, Classic Type, COL5A1-Related; EDS I. Identifiers: MedGen C0268335, MONDO:0019567, OMIM 130000.

Allele frequency attached by ClinVar (database versions not stated): gnomAD exomes below 0.00001.
gnomAD v4.1: 3 of 1,614,048 alleles (0.00019%); highest among the groups gnomAD compares: Non-Finnish European, 0.00025%; no homozygotes.

Submission:

Labcorp Genetics (formerly Invitae), Labcorp
Classification: Uncertain significance for Ehlers-Danlos syndrome, classic type, 1. Last evaluated: 2021-05-03. Review status: criteria provided, single submitter. Criteria: Invitae Variant Classification Sherloc (09022015). Collection method: clinical testing. Allele origin: germline.
Comment: In summary, the available evidence is currently insufficient to determine the role of this variant in disease. Therefore, it has been classified as a Variant of Uncertain Significance. Advanced modeling of protein sequence and biophysical properties (such as structural, functional, and spatial information, amino acid conservation, physicochemical variation, residue mobility, and thermodynamic stability) performed at Invitae indicates that this missense variant is not expected to disrupt COL5A1 protein function. This variant has not been reported in the literature in individuals with COL5A1-related conditions. This variant is not present in population databases (ExAC no frequency). This sequence change replaces glycine with alanine at codon 433 of the COL5A1 protein (p.Gly433Ala). The glycine residue is moderately conserved and there is a small physicochemical difference between glycine and alanine.

NM_000093.5(COL5A1):c.1298G>C (p.Gly433Ala)

Gene: COL5A1 (collagen type V alpha 1 chain; plus strand). Cytogenetic location: 9q34.3.
Variant type: single nucleotide variant.
Coding change: c.1298G>C on transcript NM_000093.5 (MANE Select); coding-DNA position 1298, G replaced by C.
Protein change: p.Gly433Ala; replaces glycine 433 with alanine.
Molecular consequence: missense variant.
Genome position (GRCh38, 1-based): chr9:134,731,629, G>C. VCF-style: chr9-134731629-G-C. GRCh37 (hg19) VCF-style: chr9-137623475-G-C.
Other names: c.1298G>C, p.Gly433Ala (NM_001278074.1); short protein forms G433A.
Identifiers: ClinVar variation 1463738 (VCV001463738.8), dbSNP rs2132642300, ClinGen allele CA375451186.
Genomic context (GRCh38, chr9:134,731,629, plus strand): 5'-ACGAGAACTACTACGACCCCTACTACGACCCCACCAGCTCCCCGTCGGAGATCGGGCCGG[G>C]AATGCCGGCGAACCAGGATACCATCTATGAAGGGGTGAGAGGGTGCAGGCCCCCGTTCCG-3'
Protein context (NP_000084.3, residues 423-443): PTSSPSEIGP[Gly433Ala]MPANQDTIYE